The following is an entry in ClinVar:

ClinVar aggregate classification (germline): Uncertain significance (1 of 4 stars; one submission).

Submission:

Labcorp Genetics (formerly Invitae), Labcorp
Classification: Uncertain significance. Last evaluated: 2022-06-05. Review status: criteria provided, single submitter. Criteria: Invitae Variant Classification Sherloc (09022015). Collection method: clinical testing. Allele origin: germline.
Comment: In summary, the available evidence is currently insufficient to determine the role of this variant in disease. Therefore, it has been classified as a Variant of Uncertain Significance. This sequence change results in a frameshift in the EBP gene (p.Ala225Profs*28). While this is not anticipated to result in nonsense mediated decay, it is expected to disrupt the last 6 amino acid(s) of the EBP protein and extend the protein by 21 additional amino acid residues. This variant is not present in population databases (gnomAD no frequency). This variant has not been reported in the literature in individuals affected with EBP-related conditions. ClinVar contains an entry for this variant (Variation ID: 1415909). Experimental studies and prediction algorithms are not available or were not evaluated, and the functional significance of this variant is currently unknown.

NM_006579.3(EBP):c.672del (p.Ala225fs)

Gene: EBP (EBP cholestenol delta-isomerase; plus strand). Cytogenetic location: Xp11.23.
Variant type: Deletion.
Coding change: c.672del on transcript NM_006579.3 (MANE Select); coding-DNA position 672, one base deleted (A; older notation c.672delA).
Protein change: p.Ala225fs; shifts the reading frame from alanine 225.
Molecular consequence: frameshift variant.
Genome position (GRCh38, 1-based): chrX:48,528,436, A deleted; the last of 4 consecutive A bases (chrX:48,528,433-48,528,436); deleting any one gives the same sequence. VCF-style (leftmost placement, unchanged base first): chrX-48528432-CA-C. GRCh37 (hg19) VCF-style: chrX-48386820-CA-C.
Other names: short protein forms A225fs.
Identifiers: ClinVar variation 1415909 (VCV001415909.6), dbSNP rs2147157129, ClinGen allele CA2573158981.